The following is an entry in ClinVar:

NM_000384.3(APOB):c.5826C>G (p.Phe1942Leu)

Gene: APOB (apolipoprotein B; minus strand). Cytogenetic location: 2p24.1.
Variant type: single nucleotide variant.
Coding change: c.5826C>G on transcript NM_000384.3 (MANE Select); coding-DNA position 5826, C replaced by G.
Protein change: p.Phe1942Leu; replaces phenylalanine 1942 with leucine.
Molecular consequence: missense variant.
Genome position (GRCh38, 1-based): chr2:21,011,042, G>C on the plus strand (C>G on the coding strand, the complement: APOB is on the minus strand). VCF-style: chr2-21011042-G-C. GRCh37 (hg19) VCF-style: chr2-21233914-G-C.
Other names: short protein forms F1942L.
Identifiers: ClinVar variation 4057079 (VCV004057079.1).
Genomic context (GRCh38, chr2:21,011,042, plus strand): 5'-TGCACTGATGCTTTTCCTAGACACGAGATGATGACTTGTGGAGCCTTTGTAATCATGAGA[G>C]AAAGTAAATGCCAGAGGTTCTGCTTTCAACAGGAATTTGCTATACAGCTGCCCAGTATGT-3'
Protein context (NP_000375.3, residues 1932-1952): LLKAEPLAFT[Phe1942Leu]SHDYKGSTSH

ClinVar aggregate classification (germline): Uncertain significance (1 of 4 stars; one submission).

gnomAD v4.1: 1 of 1,614,166 alleles (0.000062%); highest among the groups gnomAD compares: African/African-American, 0.0013%; no homozygotes.

Submission:

GeneDx
Classification: Uncertain significance. Last evaluated: 2025-01-08. Review status: criteria provided, single submitter. Criteria: GeneDx Variant Classification Process June 2021. Collection method: clinical testing. Allele origin: germline. Affected: yes.
Comment: Not observed at significant frequency in large population cohorts (gnomAD); In silico analysis supports that this missense variant has a deleterious effect on protein structure/function; Has not been previously published as pathogenic or benign to our knowledge